The following is an entry in ClinVar:

ClinVar aggregate classification (germline): Uncertain significance (1 of 4 stars; one submission).

Conditions:
KCNMA1-related disorder. Also called: KCNMA1-related disorders; KCNMA1-related condition.

Allele frequency attached by ClinVar (database versions not stated): gnomAD exomes below 0.00001.
gnomAD v4.1: 2 of 1,547,956 alleles (0.00013%); highest among the groups gnomAD compares: Non-Finnish European, 0.00017%; no homozygotes.

Submission:

PreventionGenetics, part of Exact Sciences
Classification: Uncertain significance for KCNMA1-related condition. Last evaluated: 2023-05-08. Review status: criteria provided, single submitter. Criteria: ACMG Guidelines, 2015. Collection method: clinical testing. Allele origin: germline.
Comment: The KCNMA1 c.2944G>T variant is predicted to result in the amino acid substitution p.Val982Leu. To our knowledge, this variant has not been reported in the literature or in a large population database, indicating this variant is rare. At this time, the clinical significance of this variant is uncertain due to the absence of conclusive functional and genetic evidence.

NM_001161352.2(KCNMA1):c.3016+879G>T

Genes: KCNMA1 (potassium calcium-activated channel subfamily M alpha 1; minus strand), KCNMA1-AS1 (KCNMA1 antisense RNA 1; plus strand). Cytogenetic location: 10q22.3.
Variant type: single nucleotide variant.
Coding change: c.3016+879G>T on transcript NM_001161352.2 (MANE Select); 879 bases into the intron after coding-DNA position 3016, G replaced by T.
Molecular consequence: intron variant. On other transcripts: missense variant (4).
Genome position (GRCh38, 1-based): chr10:76,914,057, C>A on the plus strand (G>T on the coding strand, the complement: KCNMA1 is on the minus strand). VCF-style: chr10-76914057-C-A. GRCh37 (hg19) VCF-style: chr10-78673815-C-A.
Other names: c.2932G>T, p.Val978Leu (NM_001271519.2); c.2944G>T, p.Val982Leu (NM_001322830.2); c.2935G>T, p.Val979Leu (NM_001322835.2, NM_001322837.2); c.2692+879G>T (NM_001271518.2); c.2842+879G>T (NM_001322832.2, NM_001410940.1, NM_002247.4); c.2851+879G>T (NM_001322829.2, NM_001322836.2); c.2854+879G>T (NM_001014797.3); c.2389+879G>T (NM_001322838.2); and 1 more; short protein forms V978L, V979L, V982L.
Identifiers: ClinVar variation 2629771 (VCV002629771.1), dbSNP rs2548995059, ClinGen allele CA377404016.
Genomic context (GRCh38, chr10:76,914,057, plus strand): 5'-GGAAACACCAACAACAGAACAAAAGGAGATACTGATGTGAAGGAAAACAGTGCTTCTTAC[C>A]CAGTTCAGTTATCATTAGAATGTGCGTCCCACTGTTTTTTTCCTGATTGACTGATACCAA-3'